The following is an entry in ClinVar:

ClinVar aggregate classification (germline): Pathogenic/Likely pathogenic. Review status: criteria provided, multiple submitters, no conflicts (2 of 4 stars). 3 submissions from 3 submitters: Pathogenic (1); Likely pathogenic (2). Last evaluated 2024-05-16.

Conditions:
Pigmentary pallidal degeneration (NBIA1). Also called: Pantothenate Kinase-Associated Neurodegeneration; PKAN NEUROAXONAL DYSTROPHY, JUVENILE-ONSET; HARP SYNDROME; Neurodegeneration with brain iron accumulation 1; Neuroaxonal dystrophy, late infantile; Hallervorden-Spatz disease. Identifiers: Orphanet 157850, MedGen C0018523, MONDO:0009319, OMIM 234200.

Submissions (3):

Fulgent Genetics
Classification: Likely pathogenic for Pigmentary pallidal degeneration. Last evaluated: 2024-05-16. Review status: criteria provided, single submitter. Criteria: ACMG Guidelines, 2015. Collection method: clinical testing. Allele origin: germline.

GeneDx
Classification: Likely pathogenic. Last evaluated: 2023-12-12. Review status: criteria provided, single submitter. Criteria: GeneDx Variant Classification Process June 2021. Collection method: clinical testing. Allele origin: germline. Affected: yes.
Comment: In-frame deletion of 1 amino acid in a non-repeat region; Not observed at significant frequency in large population cohorts (gnomAD); In silico analysis supports a deleterious effect on protein structure/function; This variant is associated with the following publications: (PMID: 26828213, 12510040, 22103354, 31540697, 17999425)

Labcorp Genetics (formerly Invitae), Labcorp
Classification: Pathogenic for Pigmentary pallidal degeneration. Last evaluated: 2023-11-19. Review status: criteria provided, single submitter. Criteria: Invitae Variant Classification Sherloc (09022015). Collection method: clinical testing. Allele origin: germline.
Comment: This variant, c.1273_1275del, results in the deletion of 1 amino acid(s) of the PANK2 protein (p.Leu425del), but otherwise preserves the integrity of the reading frame. This variant is not present in population databases (gnomAD no frequency). This variant has been observed in individual(s) with clinical features of PANK2-related conditions (PMID: 12510040). This variant is also known as 943–945del; L315del. ClinVar contains an entry for this variant (Variation ID: 420144). This variant disrupts a region of the PANK2 protein in which other variant(s) (p.Leu425Pro) have been determined to be pathogenic (PMID: 16437574). This suggests that this is a clinically significant region of the protein, and that variants that disrupt it are likely to be disease-causing. For these reasons, this variant has been classified as Pathogenic.

Literature cited by the submitters: PubMed 12510040 (cited by Labcorp Genetics (formerly Invitae), Labcorp); PubMed 16437574 (cited by Labcorp Genetics (formerly Invitae), Labcorp).

NM_001386393.1(PANK2):c.940CTT[1] (p.Leu315del)

Gene: PANK2 (pantothenate kinase 2; plus strand). Cytogenetic location: 20p13.
Variant type: Microsatellite.
Coding change: c.940CTT[1] on transcript NM_001386393.1 (MANE Select); one copy of the 3-base unit CTT starting at c.940; the reference has two copies in a row; one copy, 3 bases deleted; also written c.943_945del.
Protein change: p.Leu315del; deletes leucine 315.
Molecular consequence: inframe deletion. On other transcripts: non-coding transcript variant (1), 5 prime UTR variant (1).
Genome position (GRCh38, 1-based): chr20:3,912,495-3,912,497, CTT deleted; deleting any 3 consecutive bases within chr20:3,912,491-3,912,497 gives the same sequence; the position shown is the placement nearest the transcript's 3' end. VCF-style (leftmost placement, unchanged base first): chr20-3912490-GTCT-G. GRCh37 (hg19) VCF-style: chr20-3893137-GTCT-G.
Other names: c.397CTT[1], p.Leu134del (NM_024960.6, NM_153640.4, NM_001324191.2); c.1270CTT[1], p.Leu425del (NM_153638.4); c.-39CTT[1] (NM_001324193.2); c.1273_1275delCTT (NM_153638.2); c.943_945del (NM_001386393.1); c.1273_1275del (NM_153638.2); short protein forms L425del, L134del, L315del.
Identifiers: ClinVar variation 420144 (VCV000420144.7), dbSNP rs1064794317, ClinGen allele CA16620929.